The following is an entry in ClinVar:

ClinVar aggregate classification (germline): Uncertain significance. Review status: criteria provided, multiple submitters, no conflicts (2 of 4 stars). 2 submissions from 2 submitters: Uncertain significance (2). Last evaluated 2019-10-14.

Conditions:
Cardiovascular phenotype. Identifiers: MedGen CN230736.

Allele frequency attached by ClinVar (database versions not stated): TOPMed below 0.00001.
gnomAD v4.1: 3 of 1,613,994 alleles (0.00019%); highest among the groups gnomAD compares: Non-Finnish European, 0.00025%; no homozygotes.

Submissions (2):

Ambry Genetics
Classification: Uncertain significance for Cardiovascular phenotype. Last evaluated: 2019-10-14. Review status: criteria provided, single submitter. Criteria: Ambry Variant Classification Scheme 2023. Collection method: clinical testing. Allele origin: germline.
Comment: The p.F2593C variant (also known as c.7778T>G), located in coding exon 32 of the TTN gene, results from a T to G substitution at nucleotide position 7778. The phenylalanine at codon 2593 is replaced by cysteine, an amino acid with highly dissimilar properties. This amino acid position is not well conserved in available vertebrate species. In addition, this alteration is predicted to be deleterious by in silico analysis. Since supporting evidence is limited at this time, the clinical significance of this alteration remains unclear.

GeneDx
Classification: Uncertain significance. Last evaluated: 2014-08-05. Review status: criteria provided, single submitter. Criteria: GeneDx Variant Classification (06012015). Collection method: clinical testing. Allele origin: germline. Affected: yes.
Comment: Missense variants in the TTN gene are considered 'unclassified' if they are not previously reported in the literature and do not have >1% frequency in the population to be considered a polymorphism. Research indicates that truncating mutations in the TTN gene are expected to account for approximately 25% of familial and 18% of sporadic idiopathic DCM; however, truncating variants in the TTN gene have been reported in approximately 3% of reported control alleles. There has been little investigation into non-truncating variants. (Herman D et al. Truncations of titin causing dilated cardiomyopathy. N Eng J Med 366:619-628, 2012) The variant is found in DCM-CRDM panel(s).

NM_001267550.2(TTN):c.7916T>G (p.Phe2639Cys)

Gene: TTN (titin; minus strand). Cytogenetic location: 2q31.2.
Variant type: single nucleotide variant.
Coding change: c.7916T>G on transcript NM_001267550.2 (MANE Select); coding-DNA position 7916, T replaced by G.
Protein change: p.Phe2639Cys; replaces phenylalanine 2639 with cysteine.
Molecular consequence: missense variant.
Genome position (GRCh38, 1-based): chr2:178,771,411, A>C on the plus strand (T>G on the coding strand, the complement: TTN is on the minus strand). VCF-style: chr2-178771411-A-C. GRCh37 (hg19) VCF-style: chr2-179636138-A-C.
Other names: p.F2639C:TTT>TGT; c.7916T>G, p.Phe2639Cys (NM_001256850.1, NM_133378.4, NM_133379.5); c.7778T>G, p.Phe2593Cys (NM_003319.4, NM_133432.3, NM_133437.4); short protein forms F2639C, F2593C.
Identifiers: ClinVar variation 203158 (VCV000203158.4), dbSNP rs794729580, ClinGen allele CA311500.